The following is an entry in ClinVar:

NM_001258392.3(CLPB):c.185T>G (p.Leu62Trp)

Genes: CLPB (ClpB family mitochondrial disaggregase; minus strand), LOC130006336 (ATAC-STARR-seq lymphoblastoid active region 5191; plus strand). Cytogenetic location: 11q13.4.
Variant type: single nucleotide variant.
Coding change: c.185T>G on transcript NM_001258392.3 (MANE Select); coding-DNA position 185, T replaced by G.
Protein change: p.Leu62Trp; replaces leucine 62 with tryptophan.
Molecular consequence: missense variant. On other transcripts: 5 prime UTR variant (1).
Genome position (GRCh38, 1-based): chr11:72,434,290, A>C on the plus strand (T>G on the coding strand, the complement: CLPB is on the minus strand). VCF-style: chr11-72434290-A-C. GRCh37 (hg19) VCF-style: chr11-72145334-A-C.
Other names: c.185T>G, p.Leu62Trp (NM_001258393.3, NM_030813.6); c.-58T>G (NM_001258394.3); short protein forms L62W.
Identifiers: ClinVar variation 5041509 (VCV005041509.1).

ClinVar aggregate classification (germline): Uncertain significance (1 of 4 stars; one submission).

Submission:

CeGaT Center for Human Genetics Tuebingen
Classification: Uncertain significance. Last evaluated: 2026-09-01. Review status: criteria provided, single submitter. Criteria: CeGaT Center For Human Genetics Tuebingen Variant Classification Criteria Version 2. Collection method: clinical testing. Allele origin: germline. Affected: yes. Observed: 1 variant allele.
Comment: CLPB: PM2, BP4